The following is an entry in ClinVar:

ClinVar aggregate classification (germline): Uncertain significance (1 of 4 stars; one submission).

Allele frequency attached by ClinVar (database versions not stated): ExAC 0.00001.
gnomAD v4.1: 13 of 1,613,428 alleles (0.00081%); highest among the groups gnomAD compares: East Asian, 0.0022%; no homozygotes.

Submission:

Labcorp Genetics (formerly Invitae), Labcorp
Classification: Uncertain significance. Last evaluated: 2023-04-18. Review status: criteria provided, single submitter. Criteria: Invitae Variant Classification Sherloc (09022015). Collection method: clinical testing. Allele origin: germline.
Comment: This sequence change replaces isoleucine, which is neutral and non-polar, with valine, which is neutral and non-polar, at codon 280 of the SLC24A5 protein (p.Ile280Val). Advanced modeling of protein sequence and biophysical properties (such as structural, functional, and spatial information, amino acid conservation, physicochemical variation, residue mobility, and thermodynamic stability) performed at Invitae indicates that this missense variant is not expected to disrupt SLC24A5 protein function. ClinVar contains an entry for this variant (Variation ID: 1439854). This variant has not been reported in the literature in individuals affected with SLC24A5-related conditions. This variant is present in population databases (rs764396166, gnomAD 0.0009%). Algorithms developed to predict the effect of sequence changes on RNA splicing suggest that this variant may disrupt the consensus splice site. In summary, the available evidence is currently insufficient to determine the role of this variant in disease. Therefore, it has been classified as a Variant of Uncertain Significance.

NM_205850.3(SLC24A5):c.838A>G (p.Ile280Val)

Genes: MYEF2 (myelin expression factor 2; minus strand), SLC24A5 (solute carrier family 24 member 5; plus strand). Cytogenetic location: 15q21.1.
Variant type: single nucleotide variant.
Coding change: c.838A>G on transcript NM_205850.3 (MANE Select); coding-DNA position 838, A replaced by G.
Protein change: p.Ile280Val; replaces isoleucine 280 with valine.
Molecular consequence: missense variant. On other transcripts: 3 prime UTR variant (2).
Genome position (GRCh38, 1-based): chr15:48,136,930, A>G. VCF-style: chr15-48136930-A-G. GRCh37 (hg19) VCF-style: chr15-48429127-A-G.
Other names: c.*5978T>C (NM_001301210.2, NM_016132.5); short protein forms I280V.
Identifiers: ClinVar variation 1439854 (VCV001439854.7), dbSNP rs764396166, ClinGen allele CA7545970.